The following is an entry in ClinVar:

ClinVar aggregate classification (germline): Uncertain significance (1 of 4 stars; one submission).

gnomAD v4.1: 1 of 1,613,280 alleles (0.000062%); highest among the groups gnomAD compares: Non-Finnish European, 0.000085%; no homozygotes.

Submission:

GeneDx
Classification: Uncertain significance. Last evaluated: 2025-01-31. Review status: criteria provided, single submitter. Criteria: GeneDx Variant Classification Process June 2021. Collection method: clinical testing. Allele origin: germline. Affected: yes.
Comment: Not observed at significant frequency in large population cohorts (gnomAD); In silico analysis supports that this missense variant has a deleterious effect on protein structure/function; Has not been previously published as pathogenic or benign to our knowledge

NM_017433.5(MYO3A):c.1304C>G (p.Ala435Gly)

Gene: MYO3A (myosin IIIA; plus strand). Cytogenetic location: 10p12.1.
Variant type: single nucleotide variant.
Coding change: c.1304C>G on transcript NM_017433.5 (MANE Select); coding-DNA position 1304, C replaced by G.
Protein change: p.Ala435Gly; replaces alanine 435 with glycine.
Molecular consequence: missense variant.
Genome position (GRCh38, 1-based): chr10:26,070,346, C>G. VCF-style: chr10-26070346-C-G. GRCh37 (hg19) VCF-style: chr10-26359275-C-G.
Other names: short protein forms A435G.
Identifiers: ClinVar variation 4072777 (VCV004072777.1).